The following is an entry in ClinVar:

ClinVar aggregate classification (germline): Likely benign. Review status: criteria provided, multiple submitters, no conflicts (2 of 4 stars). 2 submissions from 2 submitters: Likely benign (2). Last evaluated 2025-11-04.

Conditions:
Autosomal recessive limb-girdle muscular dystrophy type 2J (LGMDR10). Also called: MUSCULAR DYSTROPHY, LIMB-GIRDLE, AUTOSOMAL RECESSIVE 10; Limb-girdle muscular dystrophy, type 2J. Identifiers: Orphanet 140922, MedGen C1837342, MONDO:0012127, OMIM 608807.
Dilated cardiomyopathy 1G (CMD1G). Identifiers: Orphanet 154, MedGen C1858763, MONDO:0011400, OMIM 604145.

Allele frequency attached by ClinVar (database versions not stated): gnomAD exomes below 0.00001; ExAC 0.00001; gnomAD 0.00001; TOPMed 0.00001.
gnomAD v4.1: 8 of 1,613,810 alleles (0.0005%); highest among the groups gnomAD compares: African/African-American, 0.0013%; no homozygotes.

Submissions (2):

Labcorp Genetics (formerly Invitae), Labcorp
Classification: Likely benign for Dilated cardiomyopathy 1G; Autosomal recessive limb-girdle muscular dystrophy type 2J. Last evaluated: 2025-11-04. Review status: criteria provided, single submitter. Criteria: Invitae Variant Classification Sherloc (09022015). Collection method: clinical testing. Allele origin: germline.

GeneDx
Classification: Likely benign. Last evaluated: 2017-10-18. Review status: criteria provided, single submitter. Criteria: GeneDx Variant Classification (06012015). Collection method: clinical testing. Allele origin: germline. Affected: yes.
Comment: This variant is considered likely benign or benign based on one or more of the following criteria: it is a conservative change, it occurs at a poorly conserved position in the protein, it is predicted to be benign by multiple in silico algorithms, and/or has population frequency not consistent with disease.

NM_001267550.2(TTN):c.7595-7T>C

Gene: TTN (titin; minus strand). Cytogenetic location: 2q31.2.
Variant type: single nucleotide variant.
Coding change: c.7595-7T>C on transcript NM_001267550.2 (MANE Select); 7 bases into the intron before coding-DNA position 7595, T replaced by C.
Molecular consequence: intron variant.
Genome position (GRCh38, 1-based): chr2:178,773,376, A>G on the plus strand (T>C on the coding strand, the complement: TTN is on the minus strand). VCF-style: chr2-178773376-A-G. GRCh37 (hg19) VCF-style: chr2-179638103-A-G.
Other names: c.7457-7T>C (NM_003319.4, NM_133437.4, NM_133432.3); c.7595-7T>C (NM_133378.4, NM_001256850.1, NM_133379.5).
Identifiers: ClinVar variation 512896 (VCV000512896.9), dbSNP rs754250448, ClinGen allele CA2004777.
Genomic context (GRCh38, chr2:178,773,376, plus strand): 5'-CATTTTGAGTTTCTGTACAGGTAAGGTCACGAAGACCTCTGATAATTTTAATTTCTGGGG[A>G]AAAAATAAAATAATCTCTTGGTTATTGTTACACTGGGAAAGTAGAATGCTTAAAGTAATT-3'